The following is an entry in ClinVar:

ClinVar aggregate classification (germline): Likely benign. Review status: criteria provided, multiple submitters, no conflicts (2 of 4 stars). 2 submissions from 2 submitters: Likely benign (2). Last evaluated 2025-06-12.

Conditions:
NUP133-related disorder. Also called: NUP133-related condition.

Allele frequency attached by ClinVar (database versions not stated): ESP Exome Variant Server 0.00008.
gnomAD v4.1: 51 of 1,604,428 alleles (0.0032%); highest among the groups gnomAD compares: African/African-American, 0.012%; no homozygotes.

Submissions (2):

Labcorp Genetics (formerly Invitae), Labcorp
Classification: Likely benign. Last evaluated: 2025-06-12. Review status: criteria provided, single submitter. Criteria: Invitae Variant Classification Sherloc (09022015). Collection method: clinical testing. Allele origin: germline.

PreventionGenetics, part of Exact Sciences
Classification: Likely benign for NUP133-related condition. Last evaluated: 2025-03-12. Review status: criteria provided, single submitter. Criteria: ACMG Guidelines, 2015. Collection method: clinical testing. Allele origin: germline.
Comment: This variant is classified as likely benign based on ACMG/AMP sequence variant interpretation guidelines (Richards et al. 2015 PMID: 25741868, with internal and published modifications).

NM_018230.3(NUP133):c.1851+9G>A

Gene: NUP133 (nucleoporin 133; minus strand). Cytogenetic location: 1q42.13.
Variant type: single nucleotide variant.
Coding change: c.1851+9G>A on transcript NM_018230.3 (MANE Select); 9 bases into the intron after coding-DNA position 1851, G replaced by A.
Molecular consequence: intron variant.
Genome position (GRCh38, 1-based): chr1:229,475,629, C>T on the plus strand (G>A on the coding strand, the complement: NUP133 is on the minus strand). VCF-style: chr1-229475629-C-T. GRCh37 (hg19) VCF-style: chr1-229611376-C-T.
Other names: c.1851+9G>A (NM_018230.2).
Identifiers: ClinVar variation 2413564 (VCV002413564.7), dbSNP rs369380483, ClinGen allele CA1443434.